The following is an entry in ClinVar:

NM_005529.7(HSPG2):c.86A>G (p.Tyr29Cys)

Gene: HSPG2 (heparan sulfate proteoglycan 2; minus strand). Cytogenetic location: 1p36.12.
Variant type: single nucleotide variant.
Coding change: c.86A>G on transcript NM_005529.7 (MANE Select); coding-DNA position 86, A replaced by G.
Protein change: p.Tyr29Cys; replaces tyrosine 29 with cysteine.
Molecular consequence: missense variant.
Genome position (GRCh38, 1-based): chr1:21,896,288, T>C on the plus strand (A>G on the coding strand, the complement: HSPG2 is on the minus strand). VCF-style: chr1-21896288-T-C. GRCh37 (hg19) VCF-style: chr1-22222781-T-C.
Other names: c.86A>G, p.Tyr29Cys (NM_001291860.2); c.86A>G (NM_005529.5); short protein forms Y29C.
Identifiers: ClinVar variation 1403742 (VCV001403742.6), dbSNP rs1240459544, ClinGen allele CA338899414.

ClinVar aggregate classification (germline): Uncertain significance. Review status: criteria provided, multiple submitters, no conflicts (2 of 4 stars). 2 submissions from 2 submitters: Uncertain significance (2). Last evaluated 2024-08-15.

Conditions:
Inborn genetic diseases. Identifiers: MedGen C0950123, MeSH D030342.

Allele frequency attached by ClinVar (database versions not stated): gnomAD exomes below 0.00001; gnomAD 0.00006 and 0.00007; TOPMed 0.00009.
gnomAD v4.1: 17 of 1,613,520 alleles (0.0011%); highest among the groups gnomAD compares: Admixed American, 0.01%; no homozygotes.

Submissions (2):

Ambry Genetics
Classification: Uncertain significance for Inborn genetic diseases. Last evaluated: 2024-08-15. Review status: criteria provided, single submitter. Criteria: Ambry Variant Classification Scheme 2023. Collection method: clinical testing. Allele origin: germline.

Labcorp Genetics (formerly Invitae), Labcorp
Classification: Uncertain significance. Last evaluated: 2022-07-12. Review status: criteria provided, single submitter. Criteria: Invitae Variant Classification Sherloc (09022015). Collection method: clinical testing. Allele origin: germline.
Comment: This sequence change replaces tyrosine, which is neutral and polar, with cysteine, which is neutral and slightly polar, at codon 29 of the HSPG2 protein (p.Tyr29Cys). This variant is present in population databases (no rsID available, gnomAD 0.01%). This variant has not been reported in the literature in individuals affected with HSPG2-related conditions. ClinVar contains an entry for this variant (Variation ID: 1403742). Algorithms developed to predict the effect of missense changes on protein structure and function are either unavailable or do not agree on the potential impact of this missense change (SIFT: "Deleterious"; PolyPhen-2: "Possibly Damaging"; Align-GVGD: "Class C0"). In summary, the available evidence is currently insufficient to determine the role of this variant in disease. Therefore, it has been classified as a Variant of Uncertain Significance.